The following is an entry in ClinVar:

NM_001135146.2(SLC39A8):c.10G>C (p.Gly4Arg)

Genes: SLC39A8 (solute carrier family 39 member 8; minus strand), LOC129992876 (ATAC-STARR-seq lymphoblastoid silent region 15595; plus strand). Cytogenetic location: 4q24.
Variant type: single nucleotide variant.
Coding change: c.10G>C on transcript NM_001135146.2 (MANE Select); coding-DNA position 10, G replaced by C.
Protein change: p.Gly4Arg; replaces glycine 4 with arginine.
Molecular consequence: missense variant.
Genome position (GRCh38, 1-based): chr4:102,344,653, C>G on the plus strand (G>C on the coding strand, the complement: SLC39A8 is on the minus strand). VCF-style: chr4-102344653-C-G. GRCh37 (hg19) VCF-style: chr4-103265810-C-G.
Other names: c.10G>C, p.Gly4Arg (NM_001135147.1, NM_022154.5); short protein forms G4R.
Identifiers: ClinVar variation 2055538 (VCV002055538.3), dbSNP rs111649546, ClinGen allele CA103102401.

ClinVar aggregate classification (germline): Conflicting classifications of pathogenicity. Review status: criteria provided, conflicting classifications (1 of 4 stars). 2 submissions from 2 submitters: Uncertain significance (1); Likely benign (1). Last evaluated 2024-12-11.

Conditions:
Inborn genetic diseases. Identifiers: MedGen C0950123, MeSH D030342.

Allele frequency attached by ClinVar (database versions not stated): gnomAD exomes 0.00002; gnomAD 0.00015; TOPMed 0.00015; 1000 Genomes Project 0.00040; 1000 Genomes Project 30x 0.00047.
gnomAD v4.1: 49 of 1,531,184 alleles (0.0032%); highest among the groups gnomAD compares: African/African-American, 0.059%; no homozygotes.

Submissions (2):

Ambry Genetics
Classification: Likely benign for Inborn genetic diseases. Last evaluated: 2024-12-11. Review status: criteria provided, single submitter. Criteria: Ambry Variant Classification Scheme 2023. Collection method: clinical testing. Allele origin: germline.

Labcorp Genetics (formerly Invitae), Labcorp
Classification: Uncertain significance. Last evaluated: 2022-08-11. Review status: criteria provided, single submitter. Criteria: Invitae Variant Classification Sherloc (09022015). Collection method: clinical testing. Allele origin: germline.
Comment: This sequence change replaces glycine, which is neutral and non-polar, with arginine, which is basic and polar, at codon 4 of the SLC39A8 protein (p.Gly4Arg). In summary, the available evidence is currently insufficient to determine the role of this variant in disease. Therefore, it has been classified as a Variant of Uncertain Significance. Algorithms developed to predict the effect of missense changes on protein structure and function are either unavailable or do not agree on the potential impact of this missense change (SIFT: "Tolerated"; PolyPhen-2: "Not Available"; Align-GVGD: "Class C0"). This variant has not been reported in the literature in individuals affected with SLC39A8-related conditions. This variant is present in population databases (rs111649546, gnomAD 0.07%).